The following is an entry in ClinVar:

NM_001386393.1(PANK2):c.53G>A (p.Arg18Gln)

Genes: PANK2 (pantothenate kinase 2; plus strand), LOC130065345 (ATAC-STARR-seq lymphoblastoid silent region 12635; plus strand). Cytogenetic location: 20p13.
Variant type: single nucleotide variant.
Coding change: c.53G>A on transcript NM_001386393.1 (MANE Select); coding-DNA position 53, G replaced by A.
Protein change: p.Arg18Gln; replaces arginine 18 with glutamine.
Molecular consequence: missense variant. On other transcripts: 5 prime UTR variant (1), non-coding transcript variant (1), intron variant (1).
Genome position (GRCh38, 1-based): chr20:3,889,483, G>A. VCF-style: chr20-3889483-G-A. GRCh37 (hg19) VCF-style: chr20-3870130-G-A.
Other names: c.383G>A (NM_153638.3); c.-659G>A (NM_001324191.2); c.383G>A, p.Arg128Gln (NM_001324192.1, NM_153638.4); c.-246+579G>A (NM_024960.6); short protein forms R128Q, R18Q.
Identifiers: ClinVar variation 526630 (VCV000526630.26), dbSNP rs546381069, ClinGen allele CA9750569.

ClinVar aggregate classification (germline): Conflicting classifications of pathogenicity. Review status: criteria provided, conflicting classifications (1 of 4 stars). 4 submissions from 4 submitters: Uncertain significance (1); Benign (1); Likely benign (2). Last evaluated 2026-01-25.

Conditions:
Pigmentary pallidal degeneration (NBIA1). Also called: HARP SYNDROME; Pantothenate Kinase-Associated Neurodegeneration; Neuroaxonal dystrophy, late infantile; Hallervorden-Spatz disease; PKAN NEUROAXONAL DYSTROPHY, JUVENILE-ONSET; Neurodegeneration with brain iron accumulation 1. Identifiers: Orphanet 157850, MedGen C0018523, MONDO:0009319, OMIM 234200.

Allele frequency attached by ClinVar (database versions not stated): gnomAD 0.00011 and 0.00017; TOPMed 0.00018; gnomAD exomes 0.00029; ExAC 0.00085; 1000 Genomes Project 0.00120; 1000 Genomes Project 30x 0.00125.
gnomAD v4.1: 118 of 1,488,860 alleles (0.0079%); highest among the groups gnomAD compares: East Asian, 0.25%; 1 homozygote.

Submissions (4):

Labcorp Genetics (formerly Invitae), Labcorp
Classification: Likely benign for Pigmentary pallidal degeneration. Last evaluated: 2026-01-25. Review status: criteria provided, single submitter. Criteria: Invitae Variant Classification Sherloc (09022015). Collection method: clinical testing. Allele origin: germline.

Blueprint Genetics
Classification: Benign. Last evaluated: 2024-11-20. Review status: criteria provided, single submitter. Criteria: ACMG Guidelines, 2015. Collection method: clinical testing. Allele origin: germline.

Women's Health and Genetics/Laboratory Corporation of America, LabCorp
Classification: Likely benign. Last evaluated: 2022-07-12. Review status: criteria provided, single submitter. Criteria: LabCorp Variant Classification Summary - May 2015. Collection method: clinical testing. Allele origin: germline.
Comment: Variant summary: PANK2 c.383G>A (p.Arg128Gln) results in a conservative amino acid change in the encoded protein sequence. Three of five in-silico tools predict a benign effect of the variant on protein function. The variant allele was found at a frequency of 0.00029 in 86722 control chromosomes (gnomAD), predominantly at a frequency of 0.0033 within the East Asian subpopulation in the gnomAD database. The observed variant frequency within East Asian control individuals in the gnomAD database is approximately 3 fold of the estimated maximal expected allele frequency for a pathogenic variant in PANK2 causing Pantothenate Kinase-Associated Neurodegeneration phenotype (0.0011), suggesting that the variant is a benign polymorphism found primarily in populations of East Asian origin. c.383G>A has been reported in the literature in individuals affected with Pantothenate Kinase-Associated Neurodegeneration (Chang_2020). The variant was also found co-occurring with another pathogenic variant in an individual with retinitis pigmentosa (CNGA1 c.179del, p.Gly60fs, Katagiri_2014), providing supporting evidence for a benign role. To our knowledge, no experimental evidence demonstrating an impact on protein function has been reported. One ClinVar submitter has assessed the variant since 2014: the variant was classified as likely benign. Based on the evidence outlined above, the variant was classified as likely benign.

Department of Neurology, Xijing Hospital, Fourth Military Medical University
Classification: Uncertain significance for Pigmentary pallidal degeneration. Last evaluated: 2022-03-01. Review status: criteria provided, single submitter. Criteria: ACMG Guidelines, 2015. Collection method: clinical testing. Allele origin: germline.

Literature cited by the submitters: PubMed 25268133 (cited by Women's Health and Genetics/Laboratory Corporation of America, LabCorp); PubMed 32043823 (cited by Women's Health and Genetics/Laboratory Corporation of America, LabCorp).